The following is an entry in ClinVar:

ClinVar aggregate classification (germline): Likely pathogenic (1 of 4 stars; one submission).

Conditions:
Polycystic kidney disease 3 with or without polycystic liver disease. Also called: Polycystic kidney disease 3; POLYCYSTIC KIDNEY DISEASE, ADULT, TYPE III; Polycystic Kidney and/or Polycystic Liver Disease 3. Identifiers: MedGen C3887964, MONDO:0010916, OMIM 600666.

Allele frequency attached by ClinVar (database versions not stated): gnomAD exomes 0.00001; TOPMed below 0.00001.
gnomAD v4.1: 9 of 1,604,552 alleles (0.00056%); highest among the groups gnomAD compares: South Asian, 0.0022%; no homozygotes.

Submission:

Diagnostics Services (NGS), CSIR - Centre For Cellular And Molecular Biology
Classification: Likely pathogenic for Polycystic kidney disease 3 with or without polycystic liver disease. Last evaluated: 2022-05-18. Review status: criteria provided, single submitter. Criteria: ACMG Guidelines, 2015. Collection method: clinical testing. Allele origin: unknown. Inheritance: Autosomal dominant inheritance. Affected: yes. Observed: 1 variant allele, 1 heterozygote.
Comment: The c.561-2A>C variant is not present in publicly available population databases like 1000 Genomes, EVS, ExAC, gnomAD and Indian Exome Database. The variant is not present in our in-house exome database. The variant was not previously reported to ClinVar, Human Genome Mutation Database (HGMD) and/or OMIM databases, in any affected individuals. In-silico pathogenicity prediction programs like MutationTaster2, CADD, Varsome, HSF3.1 etc. predicted this variant to be likely deleterious. Different algorithms to predict mRNA splicing abnormalities, predicted this variant to potentially affect splicing, however these predictions were not confirmed by any published functional/transcriptional studies.

NM_198334.3(GANAB):c.560+444A>C

Gene: GANAB (glucosidase II alpha subunit; minus strand). Cytogenetic location: 11q12.3.
Variant type: single nucleotide variant.
Coding change: c.560+444A>C on transcript NM_198334.3 (MANE Select); 444 bases into the intron after coding-DNA position 560, A replaced by C.
Molecular consequence: intron variant. On other transcripts: splice acceptor variant (2).
Genome position (GRCh38, 1-based): chr11:62,634,377, T>G on the plus strand (A>C on the coding strand, the complement: GANAB is on the minus strand). VCF-style: chr11-62634377-T-G. GRCh37 (hg19) VCF-style: chr11-62401849-T-G.
Other names: c.269+444A>C (NM_001278194.2, NM_001329222.2, NM_001329223.2); c.-217+444A>C (NM_001329225.2, NM_001329224.2); c.561-2A>C (NM_198335.4); c.218+444A>C (NM_001278193.2); c.219-2A>C (NM_001278192.2).
Identifiers: ClinVar variation 1691315 (VCV001691315.4), dbSNP rs1943838983, ClinGen allele CA380995706.
Genomic context (GRCh38, chr11:62,634,377, plus strand): 5'-AAAGGTTCTTGATCTTATCCCATATGCTACCAAGCGTGAGATTAACCTTATCCGAGAAAC[T>G]GGGGCAGGAGGAGATGGGTAGGGAAGGGGAAAAAGAGGCACAAAACCAACACAAAAACAG-3'